The following is an entry in ClinVar:

NM_003466.4(PAX8):c.-63C>A

Genes: PAX8 (paired box 8; minus strand), LOC108281110 (PAX8 promoter region; plus strand). Cytogenetic location: 2q14.1.
Variant type: single nucleotide variant.
Coding change: c.-63C>A on transcript NM_003466.4 (MANE Select); 63 bases upstream of the start codon, C replaced by A.
Molecular consequence: 5 prime UTR variant.
Genome position (GRCh38, 1-based): chr2:113,278,457, G>T on the plus strand (C>A on the coding strand, the complement: PAX8 is on the minus strand). VCF-style: chr2-113278457-G-T. GRCh37 (hg19) VCF-style: chr2-114036034-G-T.
Other names: c.-63C>A (NM_013952.4, NM_013953.4, NM_013992.4).
Identifiers: ClinVar variation 893211 (VCV000893211.29), dbSNP rs866836744, ClinGen allele CA53731961.

ClinVar aggregate classification (germline): Conflicting classifications of pathogenicity. Review status: criteria provided, conflicting classifications (1 of 4 stars). 3 submissions from 3 submitters: Uncertain significance (2); Benign (1). Last evaluated 2022-06-01.

Conditions:
Hypothyroidism, congenital, nongoitrous, 2 (CHNG2). Also called: Hypothyroidism, congenital, due to thyroid dysgenesis or hypoplasia. Identifiers: Orphanet 95712, MedGen C1869118, MONDO:0024264, OMIM 218700.

Allele frequency attached by ClinVar (database versions not stated): 1000 Genomes Project 30x 0.00016; gnomAD 0.00023 and 0.00031; TOPMed 0.00029.
gnomAD v4.1: 601 of 1,604,388 alleles (0.037%); highest among the groups gnomAD compares: Middle Eastern, 0.46%; 8 homozygotes.

Submissions (3):

CeGaT Center for Human Genetics Tuebingen
Classification: Benign. Last evaluated: 2022-06-01. Review status: criteria provided, single submitter. Criteria: CeGaT Center For Human Genetics Tuebingen Variant Classification Criteria Version 2. Collection method: clinical testing. Allele origin: germline. Affected: yes. Observed: 1 variant allele.
Comment: PAX8: BS1, BS2

Illumina Laboratory Services, Illumina
Classification: Uncertain significance for Hypothyroidism, congenital, nongoitrous, 2. Last evaluated: 2017-04-27. Review status: criteria provided, single submitter. Criteria: ICSL Variant Classification Criteria 13 December 2019. Collection method: clinical testing. Allele origin: germline.

Breakthrough Genomics
Classification: Uncertain significance. Review status: criteria provided, single submitter. Criteria: ACMG Guidelines, 2015. Collection method: not provided. Allele origin: germline. Inheritance: Autosomal dominant inheritance. Affected: yes.